The following is an entry in ClinVar:

NM_001044.5(SLC6A3):c.1675G>A (p.Ala559Thr)

Gene: SLC6A3 (solute carrier family 6 member 3). Cytogenetic location: 5p15.33.
Variant type: single nucleotide variant.
Coding change: c.1675G>A on transcript NM_001044.5 (MANE Select); coding-DNA position 1675, G replaced by A.
Protein change: p.Ala559Thr; replaces alanine 559 with threonine.
Molecular consequence: missense variant.
Genome position (GRCh38, 1-based): chr5:1,403,014, C>T on the plus strand (G>A on the coding strand, the complement: SLC6A3 is on the minus strand). VCF-style: chr5-1403014-C-T. GRCh37 (hg19) VCF-style: chr5-1403129-C-T.
Other names: c.1675G>A (NM_001044.4); short protein forms A559T.
Identifiers: ClinVar variation 2044401 (VCV002044401.3), dbSNP rs183497779, ClinGen allele CA3185950.

ClinVar aggregate classification (germline): Uncertain significance. Review status: criteria provided, multiple submitters, no conflicts (2 of 4 stars). 2 submissions from 2 submitters: Uncertain significance (2). Last evaluated 2026-02-26.

Conditions:
Parkinsonism-dystonia, infantile. Identifiers: Orphanet 238455, MedGen C2751067, MONDO:0013150.

Allele frequency attached by ClinVar (database versions not stated): gnomAD 0.00002; gnomAD exomes 0.00002; ExAC 0.00004; TOPMed 0.00005; 1000 Genomes Project 30x 0.00016; 1000 Genomes Project 0.00020.
gnomAD v4.1: 33 of 1,614,054 alleles (0.002%); highest among the groups gnomAD compares: South Asian, 0.0088%; 1 homozygote.

Submissions (2):

GeneDx
Classification: Uncertain significance. Last evaluated: 2026-02-26. Review status: criteria provided, single submitter. Criteria: GeneDx Variant Classification Process June 2021. Collection method: clinical testing. Allele origin: germline.
Comment: In silico analysis suggests that this missense variant does not alter protein structure/function; Has not been previously published as pathogenic or benign to our knowledge

Labcorp Genetics (formerly Invitae), Labcorp
Classification: Uncertain significance for Parkinsonism-dystonia, infantile. Last evaluated: 2022-03-02. Review status: criteria provided, single submitter. Criteria: Invitae Variant Classification Sherloc (09022015). Collection method: clinical testing. Allele origin: germline.
Comment: Algorithms developed to predict the effect of missense changes on protein structure and function (SIFT, PolyPhen-2, Align-GVGD) all suggest that this variant is likely to be tolerated. In summary, the available evidence is currently insufficient to determine the role of this variant in disease. Therefore, it has been classified as a Variant of Uncertain Significance. This variant has not been reported in the literature in individuals affected with SLC6A3-related conditions. This variant is present in population databases (rs183497779, gnomAD 0.02%), including at least one homozygous and/or hemizygous individual. This sequence change replaces alanine, which is neutral and non-polar, with threonine, which is neutral and polar, at codon 559 of the SLC6A3 protein (p.Ala559Thr).